The following is an entry in ClinVar:

NM_015512.5(DNAH1):c.3574G>A (p.Glu1192Lys)

Gene: DNAH1 (dynein axonemal heavy chain 1; plus strand). Cytogenetic location: 3p21.1.
Variant type: single nucleotide variant.
Coding change: c.3574G>A on transcript NM_015512.5 (MANE Select); coding-DNA position 3574, G replaced by A.
Protein change: p.Glu1192Lys; replaces glutamic acid 1192 with lysine.
Molecular consequence: missense variant.
Genome position (GRCh38, 1-based): chr3:52,354,936, G>A. VCF-style: chr3-52354936-G-A. GRCh37 (hg19) VCF-style: chr3-52388952-G-A.
Other names: short protein forms E1192K.
Identifiers: ClinVar variation 544621 (VCV000544621.9), dbSNP rs773780728, ClinGen allele CA2433614.

ClinVar aggregate classification (germline): Uncertain significance. Review status: criteria provided, multiple submitters, no conflicts (2 of 4 stars). 2 submissions from 2 submitters: Uncertain significance (2). Last evaluated 2025-11-04.

Conditions:
Spermatogenic failure 18. Identifiers: MedGen C4539783, MONDO:0054615, OMIM 617576.
Ciliary dyskinesia, primary, 37 (CILD37). Also called: CILIARY DYSKINESIA, PRIMARY, 37, WITH OR WITHOUT SITUS INVERSUS. Identifiers: MedGen C4539798, MONDO:0033204, OMIM 617577.

Allele frequency attached by ClinVar (database versions not stated): gnomAD exomes 0.00004; gnomAD 0.00001; TOPMed 0.00003; ExAC 0.00004.
gnomAD v4.1: 25 of 1,613,902 alleles (0.0015%); highest among the groups gnomAD compares: Admixed American, 0.018%; no homozygotes.

Submissions (2):

GeneDx
Classification: Uncertain significance. Last evaluated: 2025-11-04. Review status: criteria provided, single submitter. Criteria: GeneDx Variant Classification Process June 2021. Collection method: clinical testing. Allele origin: germline. Affected: yes.
Comment: Reported as a heterozygous variant in a patient with a cardiac laterality defect in the published literature; however, a second variant in DNAH1 was not reported (PMID: 39606420); In silico analysis supports that this missense variant has a deleterious effect on protein structure/function; This variant is associated with the following publications: (PMID: 39606420)

Labcorp Genetics (formerly Invitae), Labcorp
Classification: Uncertain significance for Ciliary dyskinesia, primary, 37; Spermatogenic failure 18. Last evaluated: 2019-04-08. Review status: criteria provided, single submitter. Criteria: Invitae Variant Classification Sherloc (09022015). Collection method: clinical testing. Allele origin: germline.
Comment: In summary, the available evidence is currently insufficient to determine the role of this variant in disease. Therefore, it has been classified as a Variant of Uncertain Significance. Algorithms developed to predict the effect of missense changes on protein structure and function (SIFT, PolyPhen-2, Align-GVGD) all suggest that this variant is likely to be disruptive, but these predictions have not been confirmed by published functional studies and their clinical significance is uncertain. This variant has not been reported in the literature in individuals with DNAH1-related disease. This variant is present in population databases (rs773780728, ExAC 0.04%). This sequence change replaces glutamic acid with lysine at codon 1192 of the DNAH1 protein (p.Glu1192Lys). The glutamic acid residue is highly conserved and there is a small physicochemical difference between glutamic acid and lysine.